The following is an entry in ClinVar:

NM_012479.4(YWHAG):c.583C>T (p.His195Tyr)

Gene: YWHAG (tyrosine 3-monooxygenase/tryptophan 5-monooxygenase activation protein gamma; minus strand). Cytogenetic location: 7q11.23.
Variant type: single nucleotide variant.
Coding change: c.583C>T on transcript NM_012479.4 (MANE Select); coding-DNA position 583, C replaced by T.
Protein change: p.His195Tyr; replaces histidine 195 with tyrosine.
Molecular consequence: missense variant.
Genome position (GRCh38, 1-based): chr7:76,329,738, G>A on the plus strand (C>T on the coding strand, the complement: YWHAG is on the minus strand). VCF-style: chr7-76329738-G-A. GRCh37 (hg19) VCF-style: chr7-75959055-G-A.
Other names: short protein forms H195Y.
Identifiers: ClinVar variation 2061321 (VCV002061321.4), dbSNP rs2536180763, ClinGen allele CA367776528.
Genomic context (GRCh38, chr7:76,329,738, plus strand): 5'-AGTCCTCGTTGAGGGTGTCAAGCTCGGCGATGGCGTCGTCGAACGCGGTCTTGGCCAAGT[G>A]GCACGCTTGCTCTGGGGCGTTCTGGATCTCATAGTAGAAGACGGAGTAGTTAAGAGCCAG-3'
Protein context (NP_036611.2, residues 185-205): EIQNAPEQAC[His195Tyr]LAKTAFDDAI

ClinVar aggregate classification (germline): Uncertain significance (1 of 4 stars; one submission).

Allele frequency attached by ClinVar (database versions not stated): gnomAD exomes below 0.00001.
gnomAD v4.1: 1 of 1,614,202 alleles (0.000062%); highest among the groups gnomAD compares: Admixed American, 0.0017%; no homozygotes.

Submission:

Labcorp Genetics (formerly Invitae), Labcorp
Classification: Uncertain significance. Last evaluated: 2024-02-28. Review status: criteria provided, single submitter. Criteria: Invitae Variant Classification Sherloc (09022015). Collection method: clinical testing. Allele origin: germline.
Comment: This sequence change replaces histidine, which is basic and polar, with tyrosine, which is neutral and polar, at codon 195 of the YWHAG protein (p.His195Tyr). This variant is not present in population databases (gnomAD no frequency). This variant has not been reported in the literature in individuals affected with YWHAG-related conditions. ClinVar contains an entry for this variant (Variation ID: 2061321). Advanced modeling of protein sequence and biophysical properties (such as structural, functional, and spatial information, amino acid conservation, physicochemical variation, residue mobility, and thermodynamic stability) performed at Invitae indicates that this missense variant is not expected to disrupt YWHAG protein function with a negative predictive value of 80%. In summary, the available evidence is currently insufficient to determine the role of this variant in disease. Therefore, it has been classified as a Variant of Uncertain Significance.